The following is an entry in ClinVar:

ClinVar aggregate classification (germline): Uncertain significance (1 of 4 stars; one submission).

Conditions:
Long QT syndrome (LQTS). Identifiers: MedGen C0023976, MeSH D008133, MONDO:0002442. Disease mechanism: loss of function. Inheritance: Various modes of inheritance.

Submission:

All of Us Research Program, National Institutes of Health
Classification: Uncertain significance for Long QT syndrome. Last evaluated: 2023-11-30. Review status: criteria provided, single submitter. Criteria: ACMG Guidelines, 2015. Collection method: clinical testing. Allele origin: germline. Inheritance: Autosomal dominant inheritance. Observed: 1 variant allele, 1 heterozygote.
Comment: This study involves interpretation of variants in research participants for the purpose of population health screening. Participant phenotype was not available at the time of variant classification. Additional details can be found in publication PMID: 35346344, PMCID: PMC8962531

NM_000238.4(KCNH2):c.83A>G (p.Lys28Arg)

Gene: KCNH2 (potassium voltage-gated channel subfamily H member 2; minus strand). Cytogenetic location: 7q36.1.
Variant type: single nucleotide variant.
Coding change: c.83A>G on transcript NM_000238.4 (MANE Select); coding-DNA position 83, A replaced by G.
Protein change: p.Lys28Arg; replaces lysine 28 with arginine.
Molecular consequence: missense variant. On other transcripts: 5 prime UTR variant (1), non-coding transcript variant (1).
Genome position (GRCh38, 1-based): chr7:150,974,935, T>C on the plus strand (A>G on the coding strand, the complement: KCNH2 is on the minus strand). VCF-style: chr7-150974935-T-C. GRCh37 (hg19) VCF-style: chr7-150672023-T-C.
Other names: c.-95A>G (NM_001406755.1); c.83A>G, p.Lys28Arg (NM_172056.3); short protein forms K28R.
Identifiers: ClinVar variation 3073960 (VCV003073960.1), dbSNP rs2486157311, ClinGen allele CA369866034.